The following is an entry in ClinVar:

ClinVar aggregate classification (germline): Uncertain significance (1 of 4 stars; one submission).

Conditions:
Inborn genetic diseases. Identifiers: MedGen C0950123, MeSH D030342.

gnomAD v4.1: 1 of 1,611,946 alleles (0.000062%); highest among the groups gnomAD compares: South Asian, 0.0011%; no homozygotes.

Submission:

Ambry Genetics
Classification: Uncertain significance for Inborn genetic diseases. Last evaluated: 2026-05-17. Review status: criteria provided, single submitter. Criteria: Ambry Variant Classification Scheme 2023. Collection method: clinical testing. Allele origin: germline.
Comment: The p.L526V variant (also known as c.1576C>G), located in coding exon 9 of the RECQL4 gene, results from a C to G substitution at nucleotide position 1576. The leucine at codon 526 is replaced by valine, an amino acid with highly similar properties. This amino acid position is conserved. In addition, this alteration is predicted to be tolerated by in silico analysis. Based on the available evidence, the clinical significance of this variant remains unclear.

NM_004260.4(RECQL4):c.1576C>G (p.Leu526Val)

Gene: RECQL4 (RecQ like helicase 4; minus strand). Cytogenetic location: 8q24.3.
Variant type: single nucleotide variant.
Coding change: c.1576C>G on transcript NM_004260.4 (MANE Select); coding-DNA position 1576, C replaced by G.
Protein change: p.Leu526Val; replaces leucine 526 with valine.
Molecular consequence: missense variant. On other transcripts: non-coding transcript variant (3).
Genome position (GRCh38, 1-based): chr8:144,514,980, G>C on the plus strand (C>G on the coding strand, the complement: RECQL4 is on the minus strand). VCF-style: chr8-144514980-G-C. GRCh37 (hg19) VCF-style: chr8-145740364-G-C.
Other names: c.505C>G, p.Leu169Val (NM_001413037.1, NM_001413038.1, NM_001413040.1 and 7 more transcripts); c.1546C>G, p.Leu516Val (NM_001413039.1); c.439C>G, p.Leu147Val (NM_001413041.1, NM_001413030.1, NM_001413031.1 and 2 more transcripts); c.475C>G, p.Leu159Val (NM_001413042.1); c.109C>G, p.Leu37Val (NM_001413043.1); c.1225C>G, p.Leu409Val (NM_001413029.1); c.1576C>G, p.Leu526Val (NM_001413033.1, NM_001413036.1, NM_001413018.1 and 1 more transcripts); c.1480C>G, p.Leu494Val (NM_001413020.1, NM_001413017.1); and 1 more; short protein forms L147V, L159V, L169V, L37V, L409V, L483V, L494V, L516V.
Identifiers: ClinVar variation 4863191 (VCV004863191.1).
Genomic context (GRCh38, chr8:144,514,980, plus strand): 5'-GGCCCTGTGTGCACACCTGGTCATCCATGAGTGACAGCAGGGGAGAGACGACCAACGTGA[G>C]GCAGGGGCTGCGCCGGCTGTAGAGCAGCGCTGGGAGCTGGTAGCACAGGGACTTGCCGGC-3'
Protein context (NP_004251.4, residues 516-536): ALLYSRRSPC[Leu526Val]TLVVSPLLSL